The following is an entry in ClinVar:

NM_000400.4(ERCC2):c.1034G>A (p.Arg345His)

Gene: ERCC2 (ERCC excision repair 2, TFIIH core complex helicase subunit; minus strand). Cytogenetic location: 19q13.32.
Variant type: single nucleotide variant.
Coding change: c.1034G>A on transcript NM_000400.4 (MANE Select); coding-DNA position 1034, G replaced by A.
Protein change: p.Arg345His; replaces arginine 345 with histidine.
Molecular consequence: missense variant.
Genome position (GRCh38, 1-based): chr19:45,363,827, C>T on the plus strand (G>A on the coding strand, the complement: ERCC2 is on the minus strand). VCF-style: chr19-45363827-C-T. GRCh37 (hg19) VCF-style: chr19-45867085-C-T.
Other names: c.962G>A, p.Arg321His (NM_001130867.2); short protein forms R321H, R345H.
Identifiers: ClinVar variation 1772111 (VCV001772111.2), dbSNP rs764502577, ClinGen allele CA9513550.

ClinVar aggregate classification (germline): Uncertain significance (1 of 4 stars; one submission).

Conditions:
Inborn genetic diseases. Identifiers: MedGen C0950123, MeSH D030342.

Allele frequency attached by ClinVar (database versions not stated): gnomAD exomes 0.00001; TOPMed 0.00003; ExAC 0.00007.
gnomAD v4.1: 9 of 1,540,936 alleles (0.00058%); highest among the groups gnomAD compares: East Asian, 0.019%; no homozygotes.

Submission:

Ambry Genetics
Classification: Uncertain significance for Inborn genetic diseases. Last evaluated: 2022-10-20. Review status: criteria provided, single submitter. Criteria: Ambry Variant Classification Scheme 2023. Collection method: clinical testing. Allele origin: germline.
Comment: The p.R345H variant (also known as c.1034G>A), located in coding exon 11 of the ERCC2 gene, results from a G to A substitution at nucleotide position 1034. The arginine at codon 345 is replaced by histidine, an amino acid with highly similar properties. This amino acid position is conserved. In addition, the in silico prediction for this alteration is inconclusive. Since supporting evidence is limited at this time, the clinical significance of this alteration remains unclear.